The following is an entry in ClinVar:

ClinVar aggregate classification (germline): Uncertain significance (1 of 4 stars; one submission).

Conditions:
Dystonic disorder. Also called: Dystonia. Identifiers: MedGen C0013421, MONDO:0003441, HP:0001332.

Allele frequency attached by ClinVar (database versions not stated): TOPMed 0.00002; gnomAD exomes 0.00001.
gnomAD v4.1: 5 of 1,613,950 alleles (0.00031%); highest among the groups gnomAD compares: Admixed American, 0.005%; no homozygotes.

Submission:

Labcorp Genetics (formerly Invitae), Labcorp
Classification: Uncertain significance for Dystonic disorder. Last evaluated: 2021-08-05. Review status: criteria provided, single submitter. Criteria: Invitae Variant Classification Sherloc (09022015). Collection method: clinical testing. Allele origin: germline.
Comment: In summary, the available evidence is currently insufficient to determine the role of this variant in disease. Therefore, it has been classified as a Variant of Uncertain Significance. Algorithms developed to predict the effect of missense changes on protein structure and function (SIFT, PolyPhen-2, Align-GVGD) all suggest that this variant is likely to be disruptive. This variant has not been reported in the literature in individuals affected with CIZ1-related conditions. This variant is not present in population databases (ExAC no frequency). This sequence change replaces aspartic acid with glycine at codon 666 of the CIZ1 protein (p.Asp666Gly). The aspartic acid residue is highly conserved and there is a moderate physicochemical difference between aspartic acid and glycine.

NM_001131016.2(CIZ1):c.1997A>G (p.Asp666Gly)

Gene: CIZ1 (CDKN1A interacting zinc finger protein 1; minus strand). Cytogenetic location: 9q34.11.
Variant type: single nucleotide variant.
Coding change: c.1997A>G on transcript NM_001131016.2 (MANE Select); coding-DNA position 1997, A replaced by G.
Protein change: p.Asp666Gly; replaces aspartic acid 666 with glycine.
Molecular consequence: missense variant.
Genome position (GRCh38, 1-based): chr9:128,170,054, T>C on the plus strand (A>G on the coding strand, the complement: CIZ1 is on the minus strand). VCF-style: chr9-128170054-T-C. GRCh37 (hg19) VCF-style: chr9-130932333-T-C.
Other names: c.1829A>G, p.Asp610Gly (NM_001131015.2); c.1814A>G, p.Asp605Gly (NM_001131017.2); c.1757A>G, p.Asp586Gly (NM_001131018.2); c.2087A>G, p.Asp696Gly (NM_001257975.2); c.1694A>G, p.Asp565Gly (NM_001257976.2); c.1997A>G, p.Asp666Gly (NM_012127.3); short protein forms D586G, D666G, D605G, D565G, D610G, D696G.
Identifiers: ClinVar variation 1377305 (VCV001377305.6), dbSNP rs1187412778, ClinGen allele CA375020380.